The following is an entry in ClinVar:

ClinVar aggregate classification (germline): Conflicting classifications of pathogenicity. Review status: criteria provided, conflicting classifications (1 of 4 stars). 2 submissions from 2 submitters: Uncertain significance (1); Likely benign (1). Last evaluated 2025-08-09.

Conditions:
Left ventricular noncompaction 8 (LVNC8). Identifiers: Orphanet 154, Orphanet 54260, MedGen C3809288, MONDO:0014152, OMIM 615373.

Allele frequency attached by ClinVar (database versions not stated): TOPMed 0.00003; gnomAD exomes 0.00004 and 0.00007; ESP Exome Variant Server 0.00008; ExAC 0.00010.

Submissions (2):

Labcorp Genetics (formerly Invitae), Labcorp
Classification: Uncertain significance for Left ventricular noncompaction 8. Last evaluated: 2025-08-09. Review status: criteria provided, single submitter. Criteria: Invitae Variant Classification Sherloc (09022015). Collection method: clinical testing. Allele origin: germline.
Comment: This sequence change replaces alanine, which is neutral and non-polar, with threonine, which is neutral and polar, at codon 509 of the PRDM16 protein (p.Ala509Thr). This variant is present in population databases (rs374937969, gnomAD 0.01%). This variant has not been reported in the literature in individuals affected with PRDM16-related conditions. ClinVar contains an entry for this variant (Variation ID: 1042499). An algorithm developed to predict the effect of missense changes on protein structure and function outputs the following: PolyPhen-2: "Benign". The threonine amino acid residue is found in multiple mammalian species, which suggests that this missense change does not adversely affect protein function. In summary, the available evidence is currently insufficient to determine the role of this variant in disease. Therefore, it has been classified as a Variant of Uncertain Significance.

Women's Health and Genetics/Laboratory Corporation of America, LabCorp
Classification: Likely benign. Last evaluated: 2025-04-29. Review status: criteria provided, single submitter. Criteria: LabCorp Variant Classification Summary - May 2015. Collection method: clinical testing. Allele origin: germline.

NM_022114.4(PRDM16):c.1525G>A (p.Ala509Thr)

Gene: PRDM16 (PR/SET domain 16; plus strand). Cytogenetic location: 1p36.32.
Variant type: single nucleotide variant.
Coding change: c.1525G>A on transcript NM_022114.4 (MANE Select); coding-DNA position 1525, G replaced by A.
Protein change: p.Ala509Thr; replaces alanine 509 with threonine.
Molecular consequence: missense variant.
Genome position (GRCh38, 1-based): chr1:3,411,722, G>A. VCF-style: chr1-3411722-G-A. GRCh37 (hg19) VCF-style: chr1-3328286-G-A.
Other names: c.1525G>A, p.Ala509Thr (NM_199454.3); short protein forms A509T.
Identifiers: ClinVar variation 1042499 (VCV001042499.10), dbSNP rs374937969, ClinGen allele CA544215.